The following is an entry in ClinVar:

ClinVar aggregate classification (germline): Uncertain significance. Review status: criteria provided, multiple submitters, no conflicts (2 of 4 stars). 2 submissions from 2 submitters: Uncertain significance (2). Last evaluated 2026-03-03.

Conditions:
Neurodevelopmental disorder. Identifiers: MedGen C1535926, MeSH D065886, MONDO:0700092.

Submissions (2):

Victorian Clinical Genetics Services, Murdoch Childrens Research Institute
Classification: Uncertain significance for Neurodevelopmental disorder. Last evaluated: 2026-03-03. Review status: criteria provided, single submitter. Criteria: ACMG Guidelines, 2015. Collection method: clinical testing. Allele origin: germline. Affected: yes.
Comment: This variant is classified as VUS-3A. Evidence in support of pathogenic classification: In-frame deletion in a non-repetitive region that has high conservation; Variant is present in gnomAD <0.001 for a dominant condition (v4: 2 heterozygote(s), 0 homozygote(s)); Additional information: This variant is heterozygous; This gene is associated with autosomal dominant disease; Previous evidence of pathogenicity for this variant is inconclusive. It has been classified as a VUS by one clinical laboratory in ClinVar; No published evidence of segregation with disease has been identified for this variant; No published functional evidence has been identified for this variant; No comparable in-frame deletion variants have previous evidence for pathogenicity; Variant is located in the annotated elongation factor Tu GTP binding domain (DECIPHER). This amino acid is annotated as part of the switch II region, which undergoes conformational changes upon GTP binding (NCBI domain); The mechanism of disease for this gene is not clearly established. However, there is evidence suggesting that spinocerebellar ataxia 26 (MIM#609306) is associated with a toxic gain of function mechanism (PMID: 23001565); whereas, neurodevelopmental disorder (MONDO:0700092), EEF2-related, results from loss of protein function (PMID: 37159414); Variants in this gene are known to have variable expressivity. Probands reported with the neurodevelopmental disorder present variable features (PMIDs: 37159414, 39359947).

Labcorp Genetics (formerly Invitae), Labcorp
Classification: Uncertain significance. Last evaluated: 2023-07-31. Review status: criteria provided, single submitter. Criteria: Invitae Variant Classification Sherloc (09022015). Collection method: clinical testing. Allele origin: germline.
Comment: In summary, the available evidence is currently insufficient to determine the role of this variant in disease. Therefore, it has been classified as a Variant of Uncertain Significance. Experimental studies and prediction algorithms are not available or were not evaluated, and the functional significance of this variant is currently unknown. This variant has not been reported in the literature in individuals affected with EEF2-related conditions. This variant is not present in population databases (gnomAD no frequency). This variant, c.336_338del, results in the deletion of 1 amino acid(s) of the EEF2 protein (p.Ser113del), but otherwise preserves the integrity of the reading frame.

Literature cited by the submitters: PubMed 23001565 (cited by Victorian Clinical Genetics Services, Murdoch Childrens Research Institute); PubMed 37159414 (cited by Victorian Clinical Genetics Services, Murdoch Childrens Research Institute); PubMed 39359947 (cited by Victorian Clinical Genetics Services, Murdoch Childrens Research Institute).

NM_001961.4(EEF2):c.333CTC[1] (p.Ser113del)

Gene: EEF2 (eukaryotic translation elongation factor 2; minus strand). Cytogenetic location: 19p13.3.
Variant type: Microsatellite.
Coding change: c.333CTC[1] on transcript NM_001961.4 (MANE Select); one copy of the 3-base unit CTC starting at c.333; the reference has two copies in a row; one copy, 3 bases deleted; also written c.336_338del.
Protein change: p.Ser113del; deletes serine 113.
Molecular consequence: inframe deletion.
Genome position (GRCh38, 1-based): chr19:3,983,172-3,983,174, GAG deleted on the plus strand (CTC on the coding strand, the reverse complement: EEF2 is on the minus strand); deleting any 3 consecutive bases within chr19:3,983,172-3,983,177 gives the same sequence; the position shown is the placement nearest the transcript's 3' end. VCF-style (leftmost placement, unchanged base first): chr19-3983171-CGAG-C. GRCh37 (hg19) VCF-style: chr19-3983169-CGAG-C.
Other names: c.336_338del (NM_001961.4); short protein forms S113del.
Identifiers: ClinVar variation 2789622 (VCV002789622.5), dbSNP rs2512206892, ClinGen allele CA645617272.
Genomic context (GRCh38, chr19:3,983,171, plus strand): 5'-TGACACGCAGTCCACCACCACCAATGCGCCATCGGTGACTCGGAGGGCAGCAGTCACCTC[CGAG>C]GAGAAGTCGACATGCCCGGGGGAGTCAATGAGGTTGATGAGGAAGCCGGCACCGTCCTTG-3'